The following is an entry in ClinVar:

NM_004006.3(DMD):c.5771_5772del (p.Glu1924fs)

Gene: DMD (dystrophin; minus strand). Cytogenetic location: Xp21.1.
Variant type: Microsatellite.
Coding change: c.5771_5772del on transcript NM_004006.3 (MANE Select); coding-DNA positions 5771 to 5772, 2 bases deleted (AG; older notation c.5771_5772delAG).
Protein change: p.Glu1924fs; shifts the reading frame from glutamic acid 1924.
Molecular consequence: frameshift variant.
Genome position (GRCh38, 1-based): chrX:32,342,250-32,342,251, CT deleted on the plus strand (AG on the coding strand, the reverse complement: DMD is on the minus strand); deleting any 2 consecutive bases within chrX:32,342,250-32,342,253 gives the same sequence; the c. name uses the placement nearest the transcript's 3' end. VCF-style (leftmost placement, unchanged base first): chrX-32342249-CCT-C. GRCh37 (hg19) VCF-style: chrX-32360366-CCT-C.
Other names: c.5747_5748del, p.Glu1916fs (NM_000109.4); c.5769_5770AG[1], p.Glu1924Glyfs (NM_004006.2); c.5759_5760del, p.Glu1920fs (NM_004009.3); c.5402_5403del, p.Glu1801fs (NM_004010.3); c.1748_1749del, p.Glu583fs (NM_004011.4); c.1739_1740del, p.Glu580fs (NM_004012.4); c.5771_5772delAG (NM_004006.2); c.5771_5772del (NM_004006.2); short protein forms E1801fs, E1916fs, E1920fs, E1924fs, E580fs, E583fs.
Identifiers: ClinVar variation 1723378 (VCV001723378.7), dbSNP rs2521812360, ClinGen allele CA2580616930.

ClinVar aggregate classification (germline): Pathogenic. Review status: criteria provided, multiple submitters, no conflicts (2 of 4 stars). 4 submissions from 4 submitters: Pathogenic (4). Last evaluated 2025-03-11.

Conditions:
Duchenne muscular dystrophy (DMD). Also called: MUSCULAR DYSTROPHY, PSEUDOHYPERTROPHIC PROGRESSIVE, DUCHENNE TYPE; Duchenne Muscular Dystrophy (DMD). Identifiers: Orphanet 98896, MedGen C0013264, MONDO:0010679, OMIM 310200.
Neuromuscular disease caused by qualitative or quantitative defects of dystrophin. Also called: Qualitative or quantitative defects of dystrophin. Identifiers: Orphanet 207085, MedGen C5679787, MONDO:0016147.
Progressive muscular dystrophy. Identifiers: Orphanet 206644, MedGen C4551827, MONDO:0016106.

Submissions (4):

Myriad Genetics, Inc.
Classification: Pathogenic for Progressive muscular dystrophy. Last evaluated: 2025-03-11. Review status: criteria provided, single submitter. Criteria: Myriad Autosomal Dominant, Autosomal Recessive and X-Linked Classification Criteria (2023). Collection method: clinical testing. Allele origin: unknown.
Comment: NM_004006.2(DMD):c.5771_5772delAG(E1924Gfs*7) is a frameshift variant classified as pathogenic in the context of dystrophinopathy (including Duchenne/Becker muscular dystrophy). E1924Gfs*7 has been observed in a case with relevant disease (PMID: 15643612). Relevant functional assessments of this variant are not available in the literature. E1924Gfs*7 has not been observed in referenced population frequency databases. In summary, NM_004006.2(DMD):c.5771_5772delAG(E1924Gfs*7) is a frameshift variant in a gene where loss of function is a known mechanism of disease, is predicted to disrupt protein function, and has been observed more frequently in cases with the relevant disease than in healthy populations. Please note: this variant was assessed in the context of healthy population screening.

Revvity Omics, Revvity
Classification: Pathogenic. Last evaluated: 2025-02-28. Review status: criteria provided, single submitter. Criteria: ACMG Guidelines, 2015. Collection method: clinical testing. Allele origin: germline.

Labcorp Genetics (formerly Invitae), Labcorp
Classification: Pathogenic for Duchenne muscular dystrophy. Last evaluated: 2023-01-07. Review status: criteria provided, single submitter. Criteria: Invitae Variant Classification Sherloc (09022015). Collection method: clinical testing. Allele origin: germline.
Comment: For these reasons, this variant has been classified as Pathogenic. ClinVar contains an entry for this variant (Variation ID: 1723378). This premature translational stop signal has been observed in individual(s) with Duchenne muscular dystrophy (PMID: 15643612, 19409785). This variant is not present in population databases (gnomAD no frequency). This sequence change creates a premature translational stop signal (p.Glu1924Glyfs*7) in the DMD gene. It is expected to result in an absent or disrupted protein product. Loss-of-function variants in DMD are known to be pathogenic (PMID: 16770791, 25007885).

Women's Health and Genetics/Laboratory Corporation of America, LabCorp
Classification: Pathogenic for Neuromuscular disease caused by qualitative or quantitative defects of dystrophin. Last evaluated: 2022-10-03. Review status: criteria provided, single submitter. Criteria: LabCorp Variant Classification Summary - May 2015. Collection method: clinical testing. Allele origin: germline.
Comment: Variant summary: DMD c.5771_5772delAG (p.Glu1924GlyfsX7) results in a premature termination codon, predicted to cause a truncation of the encoded protein or absence of the protein due to nonsense mediated decay, which are commonly known mechanisms for disease. Truncations downstream of this position have been classified as pathogenic by our laboratory and associated with DMD phenotype in HGMD. The variant was absent in 182573 control chromosomes. c.5771_5772delAG has been reported in the literature in individuals clinically diagnosed with Duchenne muscular dystrophy (DMD)(example Almomani_2009, Buzin 2005 and Flanigan_2009 etc.). These data indicate that the variant is likely to be associated with disease. To our knowledge, no experimental evidence demonstrating an impact on protein function has been reported. No clinical diagnostic laboratories have submitted clinical-significance assessments for this variant to ClinVar after 2014. Based on the evidence outlined above, the variant was classified as pathogenic.

Literature cited by the submitters: PubMed 15643612 (cited by 3 submitters); PubMed 19409785 (cited by Labcorp Genetics (formerly Invitae), Labcorp and Women's Health and Genetics/Laboratory Corporation of America, LabCorp); PubMed 16770791 (cited by Labcorp Genetics (formerly Invitae), Labcorp); PubMed 25007885 (cited by Labcorp Genetics (formerly Invitae), Labcorp); PubMed 19937601 (cited by Women's Health and Genetics/Laboratory Corporation of America, LabCorp); PubMed 19074751 (cited by Women's Health and Genetics/Laboratory Corporation of America, LabCorp).